The following is an entry in ClinVar:

NM_000222.3(KIT):c.*15del

Gene: KIT (KIT proto-oncogene, receptor tyrosine kinase; plus strand). Cytogenetic location: 4q12.
Variant type: Deletion.
Coding change: c.*15del on transcript NM_000222.3 (MANE Select); 15 bases downstream of the stop codon, one base deleted (T; older notation c.*15delT).
Molecular consequence: 3 prime UTR variant.
Genome position (GRCh38, 1-based): chr4:54,738,572, T deleted; the last of 3 consecutive T bases (chr4:54,738,570-54,738,572); deleting any one gives the same sequence. VCF-style (leftmost placement, unchanged base first): chr4-54738569-GT-G. GRCh37 (hg19) VCF-style: chr4-55604735-GT-G.
Other names: c.*15del (NM_001385286.1, NM_001385288.1, NM_001385290.1 and 4 more transcripts); c.*15delT (NM_000222.3).
Identifiers: ClinVar variation 3339802 (VCV003339802.1).

ClinVar aggregate classification (germline): Uncertain significance (1 of 4 stars; one submission).

Submission:

Women's Health and Genetics/Laboratory Corporation of America, LabCorp
Classification: Uncertain significance. Last evaluated: 2024-06-25. Review status: criteria provided, single submitter. Criteria: LabCorp Variant Classification Summary - May 2015. Collection method: clinical testing. Allele origin: germline.
Comment: Variant summary: KIT c.*15delT is located in the untranslated mRNA region downstream of the termination codon. The variant was absent in 250838 control chromosomes. The available data on variant occurrences in the general population are insufficient to allow any conclusion about variant significance. To our knowledge, no occurrence of c.*15delT in individuals affected with KIT-Related Disorders and no experimental evidence demonstrating its impact on protein function have been reported. No submitters have cited clinical-significance assessments for this variant to ClinVar. Based on the evidence outlined above, the variant was classified as uncertain significance.